The following is an entry in ClinVar:

NM_006231.4(POLE):c.6134C>T (p.Pro2045Leu)

Gene: POLE (DNA polymerase epsilon, catalytic subunit; minus strand). Cytogenetic location: 12q24.33.
Variant type: single nucleotide variant.
Coding change: c.6134C>T on transcript NM_006231.4 (MANE Select); coding-DNA position 6134, C replaced by T.
Protein change: p.Pro2045Leu; replaces proline 2045 with leucine.
Molecular consequence: missense variant.
Genome position (GRCh38, 1-based): chr12:132,632,666, G>A on the plus strand (C>T on the coding strand, the complement: POLE is on the minus strand). VCF-style: chr12-132632666-G-A. GRCh37 (hg19) VCF-style: chr12-133209252-G-A.
Other names: short protein forms P2045L.
Identifiers: ClinVar variation 3935718 (VCV003935718.1).

ClinVar aggregate classification (germline): Uncertain significance (1 of 4 stars; one submission).

Conditions:
Hereditary cancer-predisposing syndrome. Also called: Tumor predisposition; Hereditary neoplastic syndrome; Hereditary Cancer Syndrome; Neoplastic Syndromes, Hereditary. Identifiers: Orphanet 140162, MedGen C0027672, MeSH D009386, MONDO:0015356.

Submission:

Ambry Genetics
Classification: Uncertain significance for Hereditary cancer-predisposing syndrome. Last evaluated: 2025-04-05. Review status: criteria provided, single submitter. Criteria: Ambry Variant Classification Scheme 2023. Collection method: clinical testing. Allele origin: germline.
Comment: The p.P2045L variant (also known as c.6134C>T), located in coding exon 44 of the POLE gene, results from a C to T substitution at nucleotide position 6134. The proline at codon 2045 is replaced by leucine, an amino acid with similar properties. This amino acid position is conserved. In addition, this alteration is predicted to be deleterious by in silico analysis. Based on the available evidence, the clinical significance of this variant remains unclear.